The following is an entry in ClinVar:

ClinVar aggregate classification (germline): Likely pathogenic (1 of 4 stars; one submission).

Conditions:
Dilated cardiomyopathy 1G (CMD1G). Identifiers: Orphanet 154, MedGen C1858763, MONDO:0011400, OMIM 604145.
Autosomal recessive limb-girdle muscular dystrophy type 2J (LGMDR10). Also called: Limb-girdle muscular dystrophy, type 2J; MUSCULAR DYSTROPHY, LIMB-GIRDLE, AUTOSOMAL RECESSIVE 10. Identifiers: Orphanet 140922, MedGen C1837342, MONDO:0012127, OMIM 608807.

Submission:

Labcorp Genetics (formerly Invitae), Labcorp
Classification: Likely pathogenic for Dilated cardiomyopathy 1G; Autosomal recessive limb-girdle muscular dystrophy type 2J. Last evaluated: 2023-12-11. Review status: criteria provided, single submitter. Criteria: Invitae Variant Classification Sherloc (09022015). Collection method: clinical testing. Allele origin: germline.
Comment: This sequence change creates a premature translational stop signal (p.Cys13802*) in the TTN gene. While this is not anticipated to result in nonsense mediated decay, it is expected to create a truncated TTN protein. This variant is not present in population databases (gnomAD no frequency). This variant has not been reported in the literature in individuals affected with TTN-related conditions. This variant is located in the I band of TTN (PMID: 25589632). Truncating variants in this region have been reported in individuals affected with autosomal recessive centronuclear myopathy (PMID: 23975875). Truncating variants in this region have also been identified in individuals affected with autosomal dominant dilated cardiomyopathy and/or cardio-related conditions (PMID: 27869827, 32964742). In summary, the currently available evidence indicates that the variant is pathogenic, but additional data are needed to prove that conclusively. Therefore, this variant has been classified as Likely Pathogenic.

Literature cited by the submitters: PubMed 25589632; PubMed 23975875; PubMed 27869827; PubMed 32964742.

NM_001267550.2(TTN):c.41406C>A (p.Cys13802Ter)

Gene: TTN (titin; minus strand). Cytogenetic location: 2q31.2.
Variant type: single nucleotide variant.
Coding change: c.41406C>A on transcript NM_001267550.2 (MANE Select); coding-DNA position 41406, C replaced by A.
Protein change: p.Cys13802Ter; replaces cysteine 13802 with a stop codon.
Molecular consequence: nonsense.
Genome position (GRCh38, 1-based): chr2:178,636,165, G>T on the plus strand (C>A on the coding strand, the complement: TTN is on the minus strand). VCF-style: chr2-178636165-G-T. GRCh37 (hg19) VCF-style: chr2-179500892-G-T.
Other names: c.36483C>A, p.Cys12161Ter (NM_001256850.1); c.14211C>A, p.Cys4737Ter (NM_003319.4); c.33702C>A, p.Cys11234Ter (NM_133378.4); c.14586C>A, p.Cys4862Ter (NM_133432.3); c.14787C>A, p.Cys4929Ter (NM_133437.4); short protein forms C11234*, C13802*, C4862*, C12161*, C4929*, C4737*.
Identifiers: ClinVar variation 2921311 (VCV002921311.3), dbSNP rs749356221, ClinGen allele CA349660229.